The following is an entry in ClinVar:

ClinVar aggregate classification (germline): Pathogenic/Likely pathogenic. Review status: criteria provided, multiple submitters, no conflicts (2 of 4 stars). 14 submissions from 11 submitters: Pathogenic (6); Likely pathogenic (3). 5 of the submissions do not count toward it. Last evaluated 2026-01-26.
ClinVar aggregate classification (somatic clinical impact): Tier II - Potential (1 of 4 stars; one submission).
ClinVar aggregate classification (oncogenicity): Oncogenic (1 of 4 stars; one submission).

Conditions:
Pseudohypoparathyroidism type I A (PHP1A). Also called: ALBRIGHT HEREDITARY OSTEODYSTROPHY WITH MULTIPLE HORMONE RESISTANCE; Pseudohypoparathyroidism Ia (PHP-Ia); Pseudohypoparathyroidism Type IA; PHP IA; Pseudohypoparathyroidism type 1A. Identifiers: Orphanet 79443, MedGen C3494506, MONDO:0007078, OMIM 103580.
ACTH-independent macronodular adrenal hyperplasia 1 (AIMAH1). Also called: ACTH-INDEPENDENT MACRONODULAR ADRENOCORTICAL HYPERPLASIA; ADRENOCORTICOTROPIC HORMONE-INDEPENDENT MACRONODULAR ADRENAL HYPERPLASIA; CORTICOTROPIN-INDEPENDENT MACRONODULAR ADRENAL HYPERPLASIA; CUSHING SYNDROME, ADRENAL, DUE TO AIMAH; ACTH-independent macronodular adrenal hyperplasia, somatic. Identifiers: MedGen C1857451, MONDO:0020735, OMIM 219080.
Progressive osseous heteroplasia (POH). Also called: Progressive Osseus Heteroplasia (POH); ECTOPIC OSSIFICATION, FAMILIAL; Osseus Heteroplasia, Progressive; Osteoma cutis. Identifiers: Orphanet 2762, MedGen C0334041, MONDO:0008153, OMIM 166350, HP:0025027.
McCune-Albright syndrome (MAS). Also called: ALBRIGHT SYNDROME; Albright's Syndrome; McCune-Albright syndrome, somatic, mosaic; Fibrous Dysplasia / McCune-Albright Syndrome; Albright's disease. Identifiers: Orphanet 562, MedGen C0242292, MONDO:0018919, OMIM 174800.
Pituitary adenoma 3, multiple types. Also called: PITUITARY ADENOMA 3, ACTH-SECRETING, SOMATIC; PITUITARY ADENOMA 3, GROWTH HORMONE-SECRETING, SOMATIC. Identifiers: MedGen C4540135, MONDO:0054665, OMIM 617686.
Pseudopseudohypoparathyroidism (PPHP). Also called: ALBRIGHT HEREDITARY OSTEODYSTROPHY WITHOUT MULTIPLE HORMONE RESISTANCE; Pseudopseudohypoparathyroidism (PPHP). Identifiers: Orphanet 79445, MedGen C0033835, MONDO:0012912, OMIM 612463.
Pseudohypoparathyroidism type 1B (PHP1B). Also called: Pseudohypoparathyroidism Ib (PHP-Ib); PHP IB; Pseudohypoparathyroidism Type IB. Identifiers: Orphanet 94089, MedGen C1864100, MONDO:0011301, OMIM 603233.
Pseudohypoparathyroidism type 1C (PHP1C). Also called: Pseudohypoparathyroidism Ic (PHP-Ic); PHP IC; PSEUDOHYPOPARATHYROIDISM, TYPE IC. Identifiers: Orphanet 79444, MedGen C2932716, MONDO:0012911, OMIM 612462.
Inborn genetic diseases. Identifiers: MedGen C0950123, MeSH D030342.
Sex cord-stromal tumor. Also called: Sex cord stromal tumor, somatic. Identifiers: MedGen C0206724, MONDO:0006055.
Embryonal rhabdomyosarcoma (ERMS). Also called: Botryoid rhabdomyosarcoma (type of ERMS); Spindle cell rhabdomyosarcomas (type of ERMS). Identifiers: Orphanet 99757, MedGen C0206656, MONDO:0009993, HP:0006743.
Neoplasm. Also called: tumor; Neoplasms; Neoplasm (disease). Identifiers: MedGen C0027651, MeSH D009369, MONDO:0005070, HP:0002664.

Allele frequency attached by ClinVar (database versions not stated): gnomAD 0.00001; ExAC 0.00007; gnomAD exomes 0.00003.

Submissions 1 to 7 of 16:

Medical and Scientific Branch, Hong Kong Genome Institute
Classification: Likely pathogenic for McCune-Albright syndrome. Last evaluated: 2026-01-26. Review status: criteria provided, single submitter. Criteria: ACMG Guidelines, 2015. Collection method: clinical testing. Allele origin: unknown. Affected: yes.

3billion
Classification: Likely pathogenic for McCune-Albright syndrome. Last evaluated: 2025-08-20. Review status: criteria provided, single submitter. Criteria: ACMG Guidelines, 2015. Collection method: clinical testing. Allele origin: germline. Affected: yes.
Comment: The variant is observed at an extremely low frequency in the gnomAD v4.1.0 dataset (total allele frequency: 0.002%). Predicted Consequence/Location: Missense variant In silico tool predictions suggest damaging effect of the variant on gene or gene product [REVEL: 0.97 (>=0.6, sensitivity 0.68 and specificity 0.92); 3Cnet: 1.00 (> 0.75, sensitivity 0.96 and precision 0.92)]. The same nucleotide change resulting in the same amino acid change has been previously reported as pathogenic/likely pathogenic with strong evidence (ClinVar ID: VCV000015934 /PMID: 26341786). Different missense changes at the same codon (p.Arg201Cys, p.Arg201Gly, p.Arg201Ser) have been reported as pathogenic/likely pathogenic with strong evidence (ClinVar ID: VCV000015933, VCV000015937, VCV000015945). Therefore, this variant is classified as Likely pathogenic according to the recommendation of ACMG/AMP guideline.

Center for Genomic Medicine, Rigshospitalet, Copenhagen University Hospital
Classification: Oncogenic for Neoplasm. Last evaluated: 2025-03-04. Review status: criteria provided, single submitter. Criteria: ClinGen/CGC/VICC Guidelines for Oncogenicity, 2022. Collection method: clinical testing. Allele origin: somatic. Affected: yes.

Labcorp Genetics (formerly Invitae), Labcorp
Classification: Pathogenic. Last evaluated: 2024-11-14. Review status: criteria provided, single submitter. Criteria: Invitae Variant Classification Sherloc (09022015). Collection method: clinical testing. Allele origin: germline.
Comment: This sequence change replaces arginine, which is basic and polar, with histidine, which is basic and polar, at codon 201 of the GNAS protein (p.Arg201His). The frequency data for this variant in the population databases is considered unreliable, as metrics indicate poor data quality at this position in the gnomAD database. This missense change has been observed in individual(s) with McCune–Albright syndrome, as a somatic mosaic variant (PMID: 15126527, 27506760). In at least one individual the variant was observed to be de novo. ClinVar contains an entry for this variant (Variation ID: 15934). Invitae Evidence Modeling of protein sequence and biophysical properties (such as structural, functional, and spatial information, amino acid conservation, physicochemical variation, residue mobility, and thermodynamic stability) indicates that this missense variant is expected to disrupt GNAS protein function with a positive predictive value of 80%. For these reasons, this variant has been classified as Pathogenic.

Fulgent Genetics
Classification: Likely pathogenic for Pseudohypoparathyroidism type I A; Progressive osseous heteroplasia; McCune-Albright syndrome; ACTH-independent macronodular adrenal hyperplasia 1; Pseudohypoparathyroidism type 1B; Pseudohypoparathyroidism type 1C; Pseudopseudohypoparathyroidism; Pituitary adenoma 3, multiple types. Last evaluated: 2024-06-07. Review status: criteria provided, single submitter. Criteria: ACMG Guidelines, 2015. Collection method: clinical testing. Allele origin: germline.

Ambry Genetics
Classification: Pathogenic for Inborn genetic diseases. Last evaluated: 2024-01-30. Review status: criteria provided, single submitter. Criteria: Ambry Variant Classification Scheme 2023. Collection method: clinical testing. Allele origin: germline.
Comment: The c.602G>A (p.R201H) alteration is located in exon 8 (coding exon 8) of the GNAS gene. This alteration results from a G to A substitution at nucleotide position 602, causing the arginine (R) at amino acid position 201 to be replaced by a histidine (H). Based on data from gnomAD, the A allele has an overall frequency of 0.002% (4/251454) total alleles studied. The highest observed frequency was 0.01% (1/10078) of Ashkenazi Jewish alleles. This variant was reported in multiple individuals, and as mosaic in some with clinical features such as cafe au lait spots, premature menstruation, neonatal Cushing syndrome, thyroid disease, and others, all consistent with McCune Albright syndrome (Collins, 2003; Lumbroso, 2004; Louren&ccedil;o, 2015; Coles, 2019). Two other alterations at the same codon, c.601C>A (p.R201S), c.601C>T (p.R201C), and c.601C>G (p.R201G), have been described in individuals with clinical features consistent with McCune Albright syndrome (Riminucci, 1999; Lumbroso, 2004; Jour, 2016). This amino acid position is highly conserved in available vertebrate species. This alteration is predicted to be deleterious by in silico analysis. Based on the available evidence, this alteration is classified as pathogenic.

Clinical Genomics Laboratory, Washington University in St. Louis
Classification: Pathogenic for McCune-Albright syndrome. Last evaluated: 2023-10-12. Review status: criteria provided, single submitter. Criteria: ACMG Guidelines, 2015. Collection method: clinical testing. Allele origin: somatic. Affected: yes.
Comment: The GNAS c.602G>A (p.Arg201His) variant was identified at an allelic fraction consistent with somatic origin. This variant has been reported in multiple individuals with McCune-Albright syndrome (Pienkowski C et al., PMID: 9343290; Chevalier N et al., PMID: 26321108; Elli FM et al., PMID: 31620168; Román R et al., PMID: 15289771; Lumbroso S et al., PMID: 15126527; Cho EK et al., PMID: 27506760). This variant has been reported in the ClinVar database as a germline pathogenic by multiple submitters (ClinVar ID: 15934). This variant is only observed on 2/152134 alleles in the general population (gnomAD v3.1.2), indicating it is not a common variant. Another variant in the same codon, c.601C>T (p.Arg201Cys), has been reported in multiple affected individuals with McCune-Albright syndrome and is considered pathogenic (Lumbroso S et al., PMID: 15126527; Cho EK et al., PMID: 27506760; ClinVar ID: 15933). The GNAS c.602G>A (p.Arg201His) variant resides within a G-alpha domain, amino acids 41-388, of GNAS that is defined as a critical functional domain (Weinstein LS et al., PMID: 11588148; Tesmer JJ et al., PMID: 9417641). Computational predictors indicate that the variant is damaging, evidence that correlates with impact on GNAS function. Based on an internally developed protocol informed by the ACMG/AMP guidelines (Richards S et al., PMID: 25741868), the GNAS c.602G>A (p.Arg201His) variant is classified as pathogenic.

NM_000516.7(GNAS):c.602G>A (p.Arg201His)

Gene: GNAS (GNAS complex locus; plus strand). Cytogenetic location: 20q13.32.
Variant type: single nucleotide variant.
Coding change: c.602G>A on transcript NM_000516.7 (MANE Select); coding-DNA position 602, G replaced by A.
Protein change: p.Arg201His; replaces arginine 201 with histidine.
Molecular consequence: missense variant. On other transcripts: 3 prime UTR variant (2).
Genome position (GRCh38, 1-based): chr20:58,909,366, G>A. VCF-style: chr20-58909366-G-A. GRCh37 (hg19) VCF-style: chr20-57484421-G-A.
Other names: c.605G>A, p.Arg202His (NM_001077488.5); c.557G>A, p.Arg186His (NM_001077489.4); c.*463G>A (NM_001077490.3); c.425G>A, p.Arg142His (NM_001309840.2, NM_001309861.2); c.*508G>A (NM_016592.5); c.2531G>A, p.Arg844His (NM_080425.4); c.560G>A, p.Arg187His (NM_080426.4); short protein forms R201H, R186H, R187H, R202H, R844H, R142H.
Identifiers: ClinVar variation 15934 (VCV000015934.47), dbSNP rs121913495, ClinGen allele CA126069.
Genomic context (GRCh38, chr20:58,909,366, plus strand): 5'-TCGGTTGGCTTTGGTGAGATCCATTGACCTCAATTTTGTTTCAGGACCTGCTTCGCTGCC[G>A]TGTCCTGACTTCTGGAATCTTTGAGACCAAGTTCCAGGTGGACAAAGTCAACTTCCAGTA-3'
Protein context (NP_000507.1, residues 191-211): VPSDQDLLRC[Arg201His]VLTSGIFETK